The following is an entry in ClinVar:

ClinVar aggregate classification (germline): Pathogenic (1 of 4 stars; one submission).

Conditions:
Trichorhinophalangeal dysplasia type I (TRPS1). Also called: TRICHORHINOPHALANGEAL SYNDROME, TYPE I; TRPS I. Identifiers: Orphanet 77258, MedGen C0432233, MONDO:0008596, OMIM 190350.
Trichorhinophalangeal syndrome, type III (TRPS3). Also called: SUGIO-KAJII SYNDROME. Identifiers: Orphanet 77258, MedGen C1860823, OMIM 190351, MONDO:0008597.

Submission:

Labcorp Genetics (formerly Invitae), Labcorp
Classification: Pathogenic for Trichorhinophalangeal syndrome, type III; Trichorhinophalangeal dysplasia type I. Last evaluated: 2023-01-13. Review status: criteria provided, single submitter. Criteria: Invitae Variant Classification Sherloc (09022015). Collection method: clinical testing. Allele origin: germline.
Comment: For these reasons, this variant has been classified as Pathogenic. This variant has not been reported in the literature in individuals affected with TRPS1-related conditions. This variant is not present in population databases (gnomAD no frequency). This sequence change creates a premature translational stop signal (p.Arg268Glyfs*48) in the TRPS1 gene. It is expected to result in an absent or disrupted protein product. Loss-of-function variants in TRPS1 are known to be pathogenic (PMID: 11112658).

Literature cited by the submitters: PubMed 11112658.

NM_014112.5(TRPS1):c.801del (p.Arg268fs)

Gene: TRPS1 (transcriptional repressor GATA binding 1; minus strand). Cytogenetic location: 8q23.3.
Variant type: Deletion.
Coding change: c.801del on transcript NM_014112.5 (MANE Select); coding-DNA position 801, one base deleted (C; older notation c.801delC).
Protein change: p.Arg268fs; shifts the reading frame from arginine 268.
Molecular consequence: frameshift variant.
Genome position (GRCh38, 1-based): chr8:115,619,297, G deleted on the plus strand (C on the coding strand, the reverse complement: TRPS1 is on the minus strand); the first of 2 consecutive G bases (chr8:115,619,297-115,619,298); deleting either gives the same sequence. VCF-style (leftmost placement, unchanged base first): chr8-115619296-TG-T. GRCh37 (hg19) VCF-style: chr8-116631523-TG-T.
Other names: c.774del, p.Arg259fs (NM_001282902.3); c.780del, p.Arg261fs (NM_001282903.3); c.762del, p.Arg255fs (NM_001330599.2); short protein forms R259fs, R261fs, R268fs, R255fs.
Identifiers: ClinVar variation 2943166 (VCV002943166.3), dbSNP rs2536914014, ClinGen allele CA2740095128.
Genomic context (GRCh38, chr8:115,619,296, plus strand): 5'-GGCTGAACTGCACCATGTTATGAAGGGCCAAGATTTTGCTGTCCAGCTCAGCATCTTGCC[TG>T]GTGCGGTTATGCAGTCCTAAGTGATACTTTCGGAAGTGCTTAATCAGATCTGTGGGGTCG-3'